The following is an entry in ClinVar:

ClinVar aggregate classification (germline): Conflicting classifications of pathogenicity. Review status: criteria provided, conflicting classifications (1 of 4 stars). 4 submissions from 4 submitters: Uncertain significance (3); Likely benign (1). Last evaluated 2025-09-08.

Conditions:
Inborn genetic diseases. Identifiers: MedGen C0950123, MeSH D030342.
Norman-Roberts syndrome (LIS2). Also called: Lissencephaly 2 (Norman-Roberts type). Identifiers: Orphanet 89844, MedGen C0796089, MONDO:0009760, OMIM 257320.
Familial temporal lobe epilepsy 7. Identifiers: Orphanet 101046, MedGen C4225327, MONDO:0014639, OMIM 616436.

Allele frequency attached by ClinVar (database versions not stated): gnomAD 0.00001; gnomAD exomes 0.00001 and 0.00002; ExAC 0.00002; TOPMed 0.00002.
gnomAD v4.1: 25 of 1,613,434 alleles (0.0015%); highest among the groups gnomAD compares: Admixed American, 0.013%; no homozygotes.

Submissions (4):

Labcorp Genetics (formerly Invitae), Labcorp
Classification: Likely benign for Familial temporal lobe epilepsy 7; Norman-Roberts syndrome. Last evaluated: 2025-09-08. Review status: criteria provided, single submitter. Criteria: Invitae Variant Classification Sherloc (09022015). Collection method: clinical testing. Allele origin: germline.

GeneDx
Classification: Uncertain significance. Last evaluated: 2023-11-03. Review status: criteria provided, single submitter. Criteria: GeneDx Variant Classification Process June 2021. Collection method: clinical testing. Allele origin: germline. Affected: yes.
Comment: Not observed at significant frequency in large population cohorts (gnomAD); In silico analysis supports that this missense variant has a deleterious effect on protein structure/function; Has not been previously published as pathogenic or benign to our knowledge

Ambry Genetics
Classification: Uncertain significance for Inborn genetic diseases. Last evaluated: 2017-06-19. Review status: criteria provided, single submitter. Criteria: Ambry exome assertion method (8-5-2015). Collection method: clinical testing. Allele origin: germline. Affected: yes. Observed: 1 variant allele.

Center for Genomics, Ann and Robert H. Lurie Children's Hospital of Chicago
Classification: Uncertain significance for Familial temporal lobe epilepsy 7; Norman-Roberts syndrome. Review status: criteria provided, single submitter. Criteria: ACMG Guidelines, 2015. Collection method: clinical testing. Allele origin: germline.
Comment: This variant has not been reported in the literature but is present in 0.02% (2/67960) of European alleles in the Genome Aggregation Database (103561864 C T?dataset=gnomad_r3). This variant is present in ClinVar (Variation ID:521876). Evolutionary conservation and computational predictive tools suggest that this variant may impact the protein. In summary, data on this variant is insufficient for disease classification. Therefore, the clinical significance of this variant is uncertain.

NM_005045.4(RELN):c.5300G>A (p.Gly1767Glu)

Gene: RELN (reelin; minus strand). Cytogenetic location: 7q22.1.
Variant type: single nucleotide variant.
Coding change: c.5300G>A on transcript NM_005045.4 (MANE Select); coding-DNA position 5300, G replaced by A.
Protein change: p.Gly1767Glu; replaces glycine 1767 with glutamic acid.
Molecular consequence: missense variant.
Genome position (GRCh38, 1-based): chr7:103,561,864, C>T on the plus strand (G>A on the coding strand, the complement: RELN is on the minus strand). VCF-style: chr7-103561864-C-T. GRCh37 (hg19) VCF-style: chr7-103202311-C-T.
Other names: c.5300G>A, p.Gly1767Glu (NM_173054.3); short protein forms G1767E.
Identifiers: ClinVar variation 521876 (VCV000521876.16), dbSNP rs766384576, ClinGen allele CA4421255.